The following is an entry in ClinVar:

NM_015650.4(TRAF3IP1):c.1247C>T (p.Thr416Ile)

Gene: TRAF3IP1 (TRAF3 interacting protein 1; plus strand). Cytogenetic location: 2q37.3.
Variant type: single nucleotide variant.
Coding change: c.1247C>T on transcript NM_015650.4 (MANE Select); coding-DNA position 1247, C replaced by T.
Protein change: p.Thr416Ile; replaces threonine 416 with isoleucine.
Molecular consequence: missense variant. On other transcripts: intron variant (1).
Genome position (GRCh38, 1-based): chr2:238,344,584, C>T. VCF-style: chr2-238344584-C-T. GRCh37 (hg19) VCF-style: chr2-239253225-C-T.
Other names: c.1064-2871C>T (NM_001139490.1); short protein forms T416I.
Identifiers: ClinVar variation 962635 (VCV000962635.11), dbSNP rs762176555, ClinGen allele CA2198330.

ClinVar aggregate classification (germline): Uncertain significance. Review status: criteria provided, multiple submitters, no conflicts (2 of 4 stars). 3 submissions from 3 submitters: Uncertain significance (3). Last evaluated 2025-09-26.

Conditions:
Inborn genetic diseases. Identifiers: MedGen C0950123, MeSH D030342.

Allele frequency attached by ClinVar (database versions not stated): gnomAD exomes 0.00002 and 0.00001; TOPMed 0.00002; gnomAD 0.00001; ExAC 0.00001.

Submissions (3):

Ambry Genetics
Classification: Uncertain significance for Inborn genetic diseases. Last evaluated: 2025-09-26. Review status: criteria provided, single submitter. Criteria: Ambry Variant Classification Scheme 2023. Collection method: clinical testing. Allele origin: germline.

GeneDx
Classification: Uncertain significance. Last evaluated: 2023-12-18. Review status: criteria provided, single submitter. Criteria: GeneDx Variant Classification Process June 2021. Collection method: clinical testing. Allele origin: germline. Affected: yes.
Comment: In silico analysis supports that this missense variant does not alter protein structure/function; Has not been previously published as pathogenic or benign to our knowledge

Labcorp Genetics (formerly Invitae), Labcorp
Classification: Uncertain significance. Last evaluated: 2022-08-16. Review status: criteria provided, single submitter. Criteria: Invitae Variant Classification Sherloc (09022015). Collection method: clinical testing. Allele origin: germline.
Comment: In summary, the available evidence is currently insufficient to determine the role of this variant in disease. Therefore, it has been classified as a Variant of Uncertain Significance. Algorithms developed to predict the effect of sequence changes on RNA splicing suggest that this variant may disrupt the consensus splice site. Algorithms developed to predict the effect of missense changes on protein structure and function (SIFT, PolyPhen-2, Align-GVGD) all suggest that this variant is likely to be tolerated. ClinVar contains an entry for this variant (Variation ID: 962635). This variant has not been reported in the literature in individuals affected with TRAF3IP1-related conditions. This variant is present in population databases (rs762176555, gnomAD 0.01%). This sequence change replaces threonine, which is neutral and polar, with isoleucine, which is neutral and non-polar, at codon 416 of the TRAF3IP1 protein (p.Thr416Ile).